The following is an entry in ClinVar:

ClinVar aggregate classification (germline): Benign/Likely benign. Review status: criteria provided, multiple submitters, no conflicts (2 of 4 stars). 16 submissions from 15 submitters: Benign (8); Likely benign (5). 3 of the submissions do not count toward it. Last evaluated 2026-09-01.

Conditions:
Connective tissue disorder. Also called: Connective tissue disease. Identifiers: MedGen C0009782, MONDO:0003900.
Fibrochondrogenesis 2 (FBCG2). Identifiers: Orphanet 2021, MedGen C3281128, MONDO:0013795, OMIM 614524.
Otospondylomegaepiphyseal dysplasia, autosomal recessive (OSMEDB). Also called: Insley-Astley syndrome; CHONDRODYSTROPHY WITH SENSORINEURAL DEAFNESS. Identifiers: Orphanet 1427, MedGen CN034493, MONDO:0044206, OMIM 215150.

Allele frequency attached by ClinVar (database versions not stated): TOPMed 0.00646; ExAC 0.00652; gnomAD exomes 0.00690 and 0.00765; ESP Exome Variant Server 0.00581; gnomAD 0.00682 and 0.00686; 1000 Genomes Project 0.00419; 1000 Genomes Project 30x 0.00515.
gnomAD v4.1: 12,195 of 1,612,264 alleles (0.76%); highest among the groups gnomAD compares: Non-Finnish European, 0.79%; 60 homozygotes.

Submissions (16):

CeGaT Center for Human Genetics Tuebingen
Classification: Likely benign. Last evaluated: 2026-09-01. Review status: criteria provided, single submitter. Criteria: CeGaT Center For Human Genetics Tuebingen Variant Classification Criteria Version 2. Collection method: clinical testing. Allele origin: germline. Affected: yes. Observed: 26 variant alleles.
Comment: COL11A2: BP4, BP7, BS2

Labcorp Genetics (formerly Invitae), Labcorp
Classification: Benign. Last evaluated: 2026-02-04. Review status: criteria provided, single submitter. Criteria: Invitae Variant Classification Sherloc (09022015). Collection method: clinical testing. Allele origin: germline.

Blueprint Genetics
Classification: Likely benign. Last evaluated: 2024-11-25. Review status: criteria provided, single submitter. Criteria: ACMG Guidelines, 2015. Collection method: clinical testing. Allele origin: germline.

Genome Diagnostics Laboratory, The Hospital for Sick Children
Classification: Benign for Connective tissue disorder. Last evaluated: 2022-06-06. Review status: criteria provided, single submitter. Criteria: ACMG Guidelines, 2015. Collection method: clinical testing. Allele origin: germline.

ARUP Laboratories, Molecular Genetics and Genomics, ARUP Laboratories
Classification: Benign. Last evaluated: 2022-04-15. Review status: criteria provided, single submitter. Criteria: ARUP Molecular Germline Variant Investigation Process 2021. Collection method: clinical testing. Allele origin: germline.

Athena Diagnostics
Classification: Benign. Last evaluated: 2019-01-23. Review status: criteria provided, single submitter. Criteria: Athena Diagnostics Criteria. Collection method: clinical testing. Allele origin: germline.

GeneDx
Classification: Benign. Last evaluated: 2018-06-01. Review status: criteria provided, single submitter. Criteria: GeneDx Variant Classification Process June 2021. Collection method: clinical testing. Allele origin: germline. Affected: yes.
Comment: This variant is associated with the following publications: (PMID: no PMID)

Illumina Laboratory Services, Illumina
Classification: Likely benign for Otospondylomegaepiphyseal dysplasia, autosomal recessive. Last evaluated: 2018-01-13. Review status: criteria provided, single submitter. Criteria: ICSL Variant Classification Criteria 13 December 2019. Collection method: clinical testing. Allele origin: germline.
Comment: This variant was observed in the ICSL laboratory as part of a predisposition screen in an ostensibly healthy population. It had not been previously curated by ICSL or reported in the Human Gene Mutation Database (HGMD: prior to June 1st, 2018), and was therefore a candidate for classification through an automated scoring system. Utilizing variant allele frequency, disease prevalence and penetrance estimates, and inheritance mode, an automated score was calculated to assess if this variant is too frequent to cause the disease. Based on the score and internal cut-off values, a variant classified as likely benign is not then subjected to further curation. The score for this variant resulted in a classification of likely benign for this disease.

Illumina Laboratory Services, Illumina
Classification: Likely benign for Fibrochondrogenesis 2. Last evaluated: 2018-01-13. Review status: criteria provided, single submitter. Criteria: ICSL Variant Classification Criteria 13 December 2019. Collection method: clinical testing. Allele origin: germline.
Comment: the same text as in the submission from Illumina Laboratory Services, Illumina above.

Eurofins Ntd Llc (ga)
Classification: Benign. Last evaluated: 2017-01-09. Review status: criteria provided, single submitter. Criteria: EGL Classification Definitions 2015. Collection method: clinical testing. Allele origin: germline. Observed: 2 variant alleles, 2 heterozygotes.

Laboratory for Molecular Medicine, Mass General Brigham Personalized Medicine
Classification: Benign. Last evaluated: 2012-04-30. Review status: criteria provided, single submitter. Criteria: LMM Criteria. Collection method: clinical testing. Allele origin: germline. Observed: 27 variant alleles.
Comment: Asp594Asp in Exon 20 of COL11A2: This variant is not expected to have clinical s ignificance because it does not alter an amino acid residue, is not located with in the splice consensus sequence, and has been identified in 0.6% (29/4488) of E uropean American chromosomes from a broad population by the NHLBI Exome Sequenci ng Project (dbSNP rs41266697).

Breakthrough Genomics
Classification: Likely benign. Review status: criteria provided, single submitter. Criteria: ACMG Guidelines, 2015. Collection method: not provided. Allele origin: germline. Inheritance: Autosomal recessive inheritance. Affected: yes.

PreventionGenetics, part of Exact Sciences
Classification: Benign. Review status: criteria provided, single submitter. Criteria: ACMG Guidelines, 2015. Collection method: clinical testing. Allele origin: germline.

Clinical Genetics DNA and cytogenetics Diagnostics Lab, Erasmus MC, Erasmus Medical Center
Classification: Likely benign. Review status: no assertion criteria provided. Collection method: clinical testing. Allele origin: germline. Affected: yes. Study: VKGL Data-share Consensus. Not counted in ClinVar's aggregate classification.

Genome Diagnostics Laboratory, Amsterdam University Medical Center
Classification: Benign. Review status: no assertion criteria provided. Collection method: clinical testing. Allele origin: germline. Affected: yes. Study: VKGL Data-share Consensus. Not counted in ClinVar's aggregate classification.

Joint Genome Diagnostic Labs from Nijmegen and Maastricht, Radboudumc and MUMC+
Classification: Benign. Review status: no assertion criteria provided. Collection method: clinical testing. Allele origin: germline. Affected: yes. Study: VKGL Data-share Consensus. Not counted in ClinVar's aggregate classification.

NM_080680.3(COL11A2):c.1782C>T (p.Asp594=)

Gene: COL11A2 (collagen type XI alpha 2 chain; minus strand). Cytogenetic location: 6p21.32.
Variant type: single nucleotide variant.
Coding change: c.1782C>T on transcript NM_080680.3 (MANE Select); coding-DNA position 1782, C replaced by T.
Protein change: p.Asp594=; no amino-acid change (aspartic acid 594 retained).
Molecular consequence: synonymous variant.
Genome position (GRCh38, 1-based): chr6:33,178,344, G>A on the plus strand (C>T on the coding strand, the complement: COL11A2 is on the minus strand). VCF-style: chr6-33178344-G-A. GRCh37 (hg19) VCF-style: chr6-33146121-G-A.
Other names: c.1461C>T, p.Asp487= (NM_080679.3); c.1524C>T, p.Asp508= (NM_080681.3).
Identifiers: ClinVar variation 46557 (VCV000046557.79), dbSNP rs41266697, ClinGen allele CA138616.